The following is an entry in ClinVar:

NM_000520.6(HEXA):c.764C>G (p.Ala255Gly)

Gene: HEXA (hexosaminidase subunit alpha; minus strand). Cytogenetic location: 15q23.
Variant type: single nucleotide variant.
Coding change: c.764C>G on transcript NM_000520.6 (MANE Select); coding-DNA position 764, C replaced by G.
Protein change: p.Ala255Gly; replaces alanine 255 with glycine.
Molecular consequence: missense variant. On other transcripts: non-coding transcript variant (1).
Genome position (GRCh38, 1-based): chr15:72,350,559, G>C on the plus strand (C>G on the coding strand, the complement: HEXA is on the minus strand). VCF-style: chr15-72350559-G-C. GRCh37 (hg19) VCF-style: chr15-72642900-G-C.
Other names: c.797C>G, p.Ala266Gly (NM_001318825.2); c.764C>G (NM_000520.4); short protein forms A255G, A266G.
Identifiers: ClinVar variation 1390678 (VCV001390678.4), dbSNP rs370576428, ClinGen allele CA7644899.

ClinVar aggregate classification (germline): Uncertain significance. Review status: criteria provided, multiple submitters, no conflicts (2 of 4 stars). 2 submissions from 2 submitters: Uncertain significance (2). Last evaluated 2024-10-16.

Conditions:
Tay-Sachs disease (TSD). Also called: HEXA DEFICIENCY; GM2 gangliosidosis, type 1; Hexosaminidase alpha-subunit deficiency (variant B); Sphingolipidosis, Tay-Sachs; Hexosaminidase A Deficiency; HEXA Disorders. Identifiers: Orphanet 845, MedGen C0039373, MONDO:0010100, OMIM 272800.

Allele frequency attached by ClinVar (database versions not stated): ExAC 0.00001; gnomAD exomes 0.00002; gnomAD 0.00005 and 0.00006; ESP Exome Variant Server 0.00008.
gnomAD v4.1: 14 of 1,614,000 alleles (0.00087%); highest among the groups gnomAD compares: African/African-American, 0.015%; no homozygotes.

Submissions (2):

Labcorp Genetics (formerly Invitae), Labcorp
Classification: Uncertain significance for Tay-Sachs disease. Last evaluated: 2024-10-16. Review status: criteria provided, single submitter. Criteria: Invitae Variant Classification Sherloc (09022015). Collection method: clinical testing. Allele origin: germline.
Comment: This sequence change replaces alanine, which is neutral and non-polar, with glycine, which is neutral and non-polar, at codon 255 of the HEXA protein (p.Ala255Gly). This variant is present in population databases (rs370576428, gnomAD 0.01%). This variant has not been reported in the literature in individuals affected with HEXA-related conditions. ClinVar contains an entry for this variant (Variation ID: 1390678). Invitae Evidence Modeling of protein sequence and biophysical properties (such as structural, functional, and spatial information, amino acid conservation, physicochemical variation, residue mobility, and thermodynamic stability) indicates that this missense variant is expected to disrupt HEXA protein function with a positive predictive value of 95%. In summary, the available evidence is currently insufficient to determine the role of this variant in disease. Therefore, it has been classified as a Variant of Uncertain Significance.

GeneDx
Classification: Uncertain significance. Last evaluated: 2023-03-16. Review status: criteria provided, single submitter. Criteria: GeneDx Variant Classification Process June 2021. Collection method: clinical testing. Allele origin: germline. Affected: yes.
Comment: Not observed at significant frequency in large population cohorts (gnomAD); In silico analysis supports that this missense variant does not alter protein structure/function; Has not been previously published as pathogenic or benign to our knowledge